The following is an entry in ClinVar:

NM_001267550.2(TTN):c.32087C>T (p.Pro10696Leu)

Gene: TTN (titin; minus strand). Cytogenetic location: 2q31.2.
Variant type: single nucleotide variant.
Coding change: c.32087C>T on transcript NM_001267550.2 (MANE Select); coding-DNA position 32087, C replaced by T.
Protein change: p.Pro10696Leu; replaces proline 10696 with leucine.
Molecular consequence: missense variant. On other transcripts: intron variant (3).
Genome position (GRCh38, 1-based): chr2:178,689,061, G>A on the plus strand (C>T on the coding strand, the complement: TTN is on the minus strand). VCF-style: chr2-178689061-G-A. GRCh37 (hg19) VCF-style: chr2-179553788-G-A.
Other names: c.31136C>T, p.Pro10379Leu (NM_001256850.1); c.28355C>T, p.Pro9452Leu (NM_133378.4); c.13283-46744C>T (NM_003319.4); c.13859-46744C>T (NM_133437.4); c.13658-46744C>T (NM_133432.3); short protein forms P10379L, P10696L, P9452L.
Identifiers: ClinVar variation 2577183 (VCV002577183.1), dbSNP rs2474376747, ClinGen allele CA349553965.

ClinVar aggregate classification (germline): Uncertain significance (1 of 4 stars; one submission).

Allele frequency attached by ClinVar (database versions not stated): gnomAD exomes below 0.00001.
gnomAD v4.1: 1 of 1,610,778 alleles (0.000062%); highest among the groups gnomAD compares: South Asian, 0.0011%; no homozygotes.

Submission:

Women's Health and Genetics/Laboratory Corporation of America, LabCorp
Classification: Uncertain significance. Last evaluated: 2023-07-05. Review status: criteria provided, single submitter. Criteria: LabCorp Variant Classification Summary - May 2015. Collection method: clinical testing. Allele origin: germline.
Comment: Variant summary: TTN c.28355C>T (p.Pro9452Leu) results in a non-conservative amino acid change located in the I-band of the encoded protein sequence. Two of three in-silico tools predict a damaging effect of the variant on protein function. The variant was absent in 248026 control chromosomes (gnomAD). The available data on variant occurrences in the general population are insufficient to allow any conclusion about variant significance. To our knowledge, no occurrence of c.28355C>T in individuals affected with Dilated Cardiomyopathy and no experimental evidence demonstrating its impact on protein function have been reported. No submitters have cited clinical-significance assessments for this variant to ClinVar after 2014. Based on the evidence outlined above, the variant was classified as uncertain significance.